The following is an entry in ClinVar:

NM_138694.4(PKHD1):c.7912T>A (p.Tyr2638Asn)

Gene: PKHD1 (PKHD1 ciliary IPT domain containing fibrocystin/polyductin; minus strand). Cytogenetic location: 6p12.2.
Variant type: single nucleotide variant.
Coding change: c.7912T>A on transcript NM_138694.4 (MANE Select); coding-DNA position 7912, T replaced by A.
Protein change: p.Tyr2638Asn; replaces tyrosine 2638 with asparagine.
Molecular consequence: missense variant.
Genome position (GRCh38, 1-based): chr6:51,847,970, A>T on the plus strand (T>A on the coding strand, the complement: PKHD1 is on the minus strand). VCF-style: chr6-51847970-A-T. GRCh37 (hg19) VCF-style: chr6-51712768-A-T.
Other names: c.7912T>A, p.Tyr2638Asn (NM_170724.3); c.7912T>A (NM_138694.3); short protein forms Y2638N.
Identifiers: ClinVar variation 1369851 (VCV001369851.12), dbSNP rs749431123, ClinGen allele CA3851784.
Genomic context (GRCh38, chr6:51,847,970, plus strand): 5'-AATCTGTGTGCACCAGCAGTAGGTAATTACCAGGAGCAAAGTTGTCAAAGGTTGCTGAGT[A>T]CTTGAAGTGAAAGAAAAACACAATAGTGCTCATTTAGTAAGGAACCCCATCATTCCACCT-3'
Protein context (NP_619639.3, residues 2628-2648): ENLWINRSLQ[Tyr2638Asn]SATFDNFAPG

ClinVar aggregate classification (germline): Conflicting classifications of pathogenicity. Review status: criteria provided, conflicting classifications (1 of 4 stars). 3 submissions from 3 submitters: Likely pathogenic (1); Uncertain significance (2). Last evaluated 2026-06-09.

Conditions:
Autosomal recessive polycystic kidney disease (ARPKD). Also called: AR polycystic kidney disease. Identifiers: Orphanet 731, Orphanet 8378, MedGen C0085548, MeSH D017044, MONDO:0009889.
Polycystic kidney disease 4 (PKD4). Also called: Autosomal Recessive Polycystic Kidney Disease – PKHD1; POLYCYSTIC KIDNEY DISEASE 4 WITH OR WITHOUT POLYCYSTIC LIVER DISEASE; POLYCYSTIC KIDNEY AND HEPATIC DISEASE 1; POLYCYSTIC KIDNEY DISEASE, INFANTILE, TYPE I; PKD3. Identifiers: MedGen C4540575, MONDO:0033004, OMIM 263200.

Allele frequency attached by ClinVar (database versions not stated): ExAC 0.00002; gnomAD 0.00001; gnomAD exomes 0.00001 and 0.00002.
gnomAD v4.1: 8 of 1,610,676 alleles (0.0005%); highest among the groups gnomAD compares: South Asian, 0.0066%; no homozygotes.

Submissions (3):

GeneDx
Classification: Likely pathogenic. Last evaluated: 2026-06-09. Review status: criteria provided, single submitter. Criteria: GeneDx Variant Classification Process June 2021. Collection method: clinical testing. Allele origin: germline.
Comment: Observed in fetus with features consistent with ARPKD in published literature; however, this fetus was observed to have two additional PKHD1 variants, one on the same allele (in cis) and one on the opposite allele (in trans), and the effect of two of these variants on the same allele (in cis) is unknown (PMID: 19940839); Not observed at significant frequency in large population cohorts (gnomAD); In silico analysis supports that this missense variant has a deleterious effect on protein structure/function; Observed with a second variant in trans in a patient with Caroli disease and multiple kidney cysts (PMID: 41089214); This variant is associated with the following publications: (PMID: 19940839, 41089214)

Fulgent Genetics
Classification: Uncertain significance for Polycystic kidney disease 4. Last evaluated: 2022-05-02. Review status: criteria provided, single submitter. Criteria: ACMG Guidelines, 2015. Collection method: clinical testing. Allele origin: unknown.

Labcorp Genetics (formerly Invitae), Labcorp
Classification: Uncertain significance for Autosomal recessive polycystic kidney disease. Last evaluated: 2021-09-01. Review status: criteria provided, single submitter. Criteria: Invitae Variant Classification Sherloc (09022015). Collection method: clinical testing. Allele origin: germline.
Comment: This sequence change replaces tyrosine with asparagine at codon 2638 of the PKHD1 protein (p.Tyr2638Asn). The tyrosine residue is moderately conserved and there is a large physicochemical difference between tyrosine and asparagine. This variant is present in population databases (rs749431123, ExAC 0.006%). This missense change has been observed in individual(s) with polycystic kidney disease (PMID: 19940839). Algorithms developed to predict the effect of missense changes on protein structure and function are either unavailable or do not agree on the potential impact of this missense change (SIFT: "Deleterious"; PolyPhen-2: "Probably Damaging"; Align-GVGD: "Class C0"). In summary, the available evidence is currently insufficient to determine the role of this variant in disease. Therefore, it has been classified as a Variant of Uncertain Significance.

Literature cited by the submitters: PubMed 19940839 (cited by Labcorp Genetics (formerly Invitae), Labcorp).